The following is an entry in ClinVar:

NM_001458.5(FLNC):c.1931G>A (p.Cys644Tyr)

Gene: FLNC (filamin C; plus strand). Cytogenetic location: 7q32.1.
Variant type: single nucleotide variant.
Coding change: c.1931G>A on transcript NM_001458.5 (MANE Select); coding-DNA position 1931, G replaced by A.
Protein change: p.Cys644Tyr; replaces cysteine 644 with tyrosine.
Molecular consequence: missense variant.
Genome position (GRCh38, 1-based): chr7:128,841,287, G>A. VCF-style: chr7-128841287-G-A. GRCh37 (hg19) VCF-style: chr7-128481341-G-A.
Other names: c.1931G>A, p.Cys644Tyr (NM_001127487.2); short protein forms C644Y.
Identifiers: ClinVar variation 1782894 (VCV001782894.2), dbSNP rs2536628432, ClinGen allele CA369227391.
Genomic context (GRCh38, chr7:128,841,287, plus strand): 5'-GCTCCTGCGATGTGCGGTACTGGCCCACGGAGCCTGGGGAGTACGCTGTGCACGTCATCT[G>A]TGACGATGAGGACATCCGAGACTCACCCTTCATTGCCCACATCCTGCCCGCCCCACCTGA-3'
Protein context (NP_001449.3, residues 634-654): EPGEYAVHVI[Cys644Tyr]DDEDIRDSPF

ClinVar aggregate classification (germline): Uncertain significance (1 of 4 stars; one submission).

Conditions:
Cardiovascular phenotype. Identifiers: MedGen CN230736.

Allele frequency attached by ClinVar (database versions not stated): gnomAD exomes below 0.00001.
gnomAD v4.1: 1 of 1,614,100 alleles (0.000062%); highest among the groups gnomAD compares: Non-Finnish European, 0.000085%; no homozygotes.

Submission:

Ambry Genetics
Classification: Uncertain significance for Cardiovascular phenotype. Last evaluated: 2021-04-19. Review status: criteria provided, single submitter. Criteria: Ambry Variant Classification Scheme 2023. Collection method: clinical testing. Allele origin: germline.
Comment: The p.C644Y variant (also known as c.1931G>A), located in coding exon 12 of the FLNC gene, results from a G to A substitution at nucleotide position 1931. The cysteine at codon 644 is replaced by tyrosine, an amino acid with highly dissimilar properties. This amino acid position is highly conserved in available vertebrate species. In addition, this alteration is predicted to be deleterious by in silico analysis. Since supporting evidence is limited at this time, the clinical significance of this alteration remains unclear.